The following is an entry in ClinVar:

NM_000092.5(COL4A4):c.2056+10A>G

Gene: COL4A4 (collagen type IV alpha 4 chain; minus strand). Cytogenetic location: 2q36.3.
Variant type: single nucleotide variant.
Coding change: c.2056+10A>G on transcript NM_000092.5 (MANE Select); 10 bases into the intron after coding-DNA position 2056, A replaced by G.
Molecular consequence: intron variant.
Genome position (GRCh38, 1-based): chr2:227,062,520, T>C on the plus strand (A>G on the coding strand, the complement: COL4A4 is on the minus strand). VCF-style: chr2-227062520-T-C. GRCh37 (hg19) VCF-style: chr2-227927236-T-C.
Identifiers: ClinVar variation 598621 (VCV000598621.20), dbSNP rs138869451, ClinGen allele CA2144972.
Genomic context (GRCh38, chr2:227,062,520, plus strand): 5'-ATCTGTCTGGCTGGTTTTTTTTTTTTTACTCTGGGAAGTATATAAGACAGTAACTTCTCA[T>C]TGATAATACCTGGAGGTCCATCAAAACCTGGAGGGCCATGCCTCCCAGGGTAGGTTACGT-3'

ClinVar aggregate classification (germline): Benign/Likely benign. Review status: criteria provided, multiple submitters, no conflicts (2 of 4 stars). 5 submissions from 5 submitters: Benign (1); Likely benign (3). 1 of the submissions does not count toward it. Last evaluated 2026-01-14.

Conditions:
COL4A4-related disorder.

Allele frequency attached by ClinVar (database versions not stated): gnomAD exomes 0.00014 and 0.00036; ExAC 0.00052; 1000 Genomes Project 0.00080; 1000 Genomes Project 30x 0.00094; ESP Exome Variant Server 0.00127; gnomAD 0.00150 and 0.00161; TOPMed 0.00174.
gnomAD v4.1: 433 of 1,563,038 alleles (0.028%); highest among the groups gnomAD compares: African/African-American, 0.49%; 1 homozygote.

Submissions (5):

Labcorp Genetics (formerly Invitae), Labcorp
Classification: Benign. Last evaluated: 2026-01-14. Review status: criteria provided, single submitter. Criteria: Invitae Variant Classification Sherloc (09022015). Collection method: clinical testing. Allele origin: germline.

Blueprint Genetics
Classification: Likely benign. Last evaluated: 2024-07-19. Review status: criteria provided, single submitter. Criteria: ACMG Guidelines, 2015. Collection method: clinical testing. Allele origin: germline.

GeneDx
Classification: Likely benign. Last evaluated: 2020-12-04. Review status: criteria provided, single submitter. Criteria: GeneDx Variant Classification Process June 2021. Collection method: clinical testing. Allele origin: germline. Affected: yes.

Eurofins Ntd Llc (ga)
Classification: Likely benign. Last evaluated: 2018-09-11. Review status: criteria provided, single submitter. Criteria: EGL ClinVar v180209 classification definitions. Collection method: clinical testing. Allele origin: germline. Observed: 1 variant allele, 1 heterozygote.

PreventionGenetics, part of Exact Sciences
Classification: Likely benign for COL4A4-related condition. Last evaluated: 2019-12-10. Review status: no assertion criteria provided. Collection method: clinical testing. Allele origin: germline. Not counted in ClinVar's aggregate classification.
Comment: This variant is classified as likely benign based on ACMG/AMP sequence variant interpretation guidelines (Richards et al. 2015 PMID: 25741868, with internal and published modifications).